The following is an entry in ClinVar:

ClinVar aggregate classification (germline): Pathogenic (0 of 4 stars; one submission).

Conditions:
Malignant tumor of breast. Also called: Malignant breast neoplasm; Cancer breast. Identifiers: MedGen C0006142, MONDO:0007254. Disease mechanism: loss of function.

Submission:

Department of Pathology and Laboratory Medicine, Sinai Health System
Classification: Pathogenic for Malignant tumor of breast. Review status: no assertion criteria provided. Collection method: clinical testing. Allele origin: unknown. Affected: yes. Study: The Canadian Open Genetics Repository (COGR).
Comment: The BRCA1 p.Ile1159Lysfs*51 variant was not identified in the literature nor was it identified in the dbSNP, ClinVar, LOVD 3.0, or UMD-LSDB databases. The variant was not identified in the following control databases: the Exome Aggregation Consortium (August 8th 2016), or the Genome Aggregation Database (Feb 27, 2017). The c.3476del variant is predicted to cause a frameshift, which alters the protein's amino acid sequence beginning at codon 1159 and leads to a premature stop codon at position 1209. This alteration is then predicted to result in a truncated or absent protein and loss of function. Loss of function variants of the BRCA1 gene are an established mechanism of disease in BRCA1 associated cancers and is the type of variant expected to cause the disorder. In summary, based on the above information this variant meets our laboratoryâ€šÃ„Ã´s criteria to be classified as pathogenic.

NM_007294.4(BRCA1):c.3476del (p.Ile1159fs)

Genes: BRCA1 (BRCA1 DNA repair associated; minus strand), LOC126862571 (BRD4-independent group 4 enhancer GRCh37_chr17:41243136-41244335; plus strand). Cytogenetic location: 17q21.31.
Variant type: Deletion.
Coding change: c.3476del on transcript NM_007294.4 (MANE Select); coding-DNA position 3476, one base deleted (T; older notation c.3476delT).
Protein change: p.Ile1159fs; shifts the reading frame from isoleucine 1159.
Molecular consequence: frameshift variant. On other transcripts: intron variant (135).
Genome position (GRCh38, 1-based): chr17:43,092,055, A deleted on the plus strand (T on the coding strand, the reverse complement: BRCA1 is on the minus strand). VCF-style (leftmost placement, unchanged base first): chr17-43092054-TA-T. GRCh37 (hg19) VCF-style: chr17-41244071-TA-T.
Other names: c.3353del, p.Ile1118fs (NM_001407665.1, NM_001407666.1, NM_001407667.1 and 19 more transcripts); c.3335del, p.Ile1112fs (NM_001407733.1, NM_001407734.1, NM_001407735.1 and 29 more transcripts); c.3476del, p.Ile1159fs (NM_001407620.1, NM_001407621.1, NM_001407622.1 and 30 more transcripts); c.3263del, p.Ile1088fs (NM_001407571.1, NM_001407894.1, NM_001407895.1 and 9 more transcripts); c.3350del, p.Ile1117fs (NM_001407670.1, NM_001407671.1, NM_001407672.1 and 11 more transcripts); c.3332del, p.Ile1111fs (NM_001407740.1, NM_001407741.1, NM_001407742.1 and 20 more transcripts); c.3473del, p.Ile1158fs (NM_001407627.1, NM_001407628.1, NM_001407629.1 and 22 more transcripts); c.3272del, p.Ile1091fs (NM_001407874.1, NM_001407875.1); and 41 more; short protein forms I1112fs, I1159fs, I1031fs, I1032fs, I1089fs, I1091fs, I1111fs, I1133fs.
Identifiers: ClinVar variation 1050671 (VCV001050671.2), dbSNP rs2154311311, ClinGen allele CA2499224464.